The following is an entry in ClinVar:

ClinVar aggregate classification (germline): Benign. Review status: criteria provided, multiple submitters, no conflicts (2 of 4 stars). 2 submissions from 2 submitters: Benign (2). Last evaluated 2018-06-14.

Allele frequency attached by ClinVar (database versions not stated): gnomAD 0.02387 and 0.02562; TOPMed 0.02685; 1000 Genomes Project 0.03015; 1000 Genomes Project 30x 0.03201.
gnomAD v4.1: 3,602 of 152,278 alleles (2.4%); highest among the groups gnomAD compares: African/African-American, 8.2%; 153 homozygotes.

Submissions (2):

GeneDx
Classification: Benign. Last evaluated: 2018-06-14. Review status: criteria provided, single submitter. Criteria: GeneDx Variant Classification (06012015). Collection method: clinical testing. Allele origin: germline. Affected: yes.
Comment: This variant is considered likely benign or benign based on one or more of the following criteria: it is a conservative change, it occurs at a poorly conserved position in the protein, it is predicted to be benign by multiple in silico algorithms, and/or has population frequency not consistent with disease.

Breakthrough Genomics
Classification: Benign. Review status: criteria provided, single submitter. Criteria: ACMG Guidelines, 2015. Collection method: not provided. Allele origin: germline. Inheritance: Autosomal recessive inheritance. Affected: yes.

NM_001943.5(DSG2):c.1014+219G>T

Gene: DSG2 (desmoglein 2; plus strand). Cytogenetic location: 18q12.1.
Variant type: single nucleotide variant.
Coding change: c.1014+219G>T on transcript NM_001943.5 (MANE Select); 219 bases into the intron after coding-DNA position 1014, G replaced by T.
Molecular consequence: intron variant.
Genome position (GRCh38, 1-based): chr18:31,525,107, G>T. VCF-style: chr18-31525107-G-T. GRCh37 (hg19) VCF-style: chr18-29105070-G-T.
Identifiers: ClinVar variation 672572 (VCV000672572.2), dbSNP rs73416260, ClinGen allele CA297732518.